The following is an entry in ClinVar:

ClinVar aggregate classification (germline): Likely pathogenic. Review status: criteria provided, multiple submitters, no conflicts (2 of 4 stars). 2 submissions from 2 submitters: Likely pathogenic (2). Last evaluated 2026-01-07.

Conditions:
Charcot-Marie-Tooth disease axonal type 2V. Also called: CHARCOT-MARIE-TOOTH NEUROPATHY, TYPE 2V; CHARCOT-MARIE-TOOTH DISEASE, AXONAL, AUTOSOMAL DOMINANT, TYPE 2V. Identifiers: Orphanet 447964, MedGen C5569050, MONDO:0014665, OMIM 616491.
Mucopolysaccharidosis, MPS-III-B (MPS3B). Also called: N-ACETYL-ALPHA-D-GLUCOSAMINIDASE DEFICIENCY; NAGLU DEFICIENCY; SANFILIPPO SYNDROME B; MPS III B; Mucopolysaccharidosis type IIIB (Sanfilippo B); MUCOPOLYSACCHARIDOSIS, TYPE IIIB. Identifiers: Orphanet 79270, MedGen C0086648, MONDO:0009656, OMIM 252920.
Cardiomyopathy (CMYO). Also called: Cardiomyopathies. Identifiers: Orphanet 167848, MedGen C0878544, MONDO:0004994, HP:0001638. Inheritance: Various modes of inheritance.

Submissions (2):

Labcorp Genetics (formerly Invitae), Labcorp
Classification: Likely pathogenic for Charcot-Marie-Tooth disease axonal type 2V; Mucopolysaccharidosis, MPS-III-B. Last evaluated: 2026-01-07. Review status: criteria provided, single submitter. Criteria: Invitae Variant Classification Sherloc (09022015). Collection method: clinical testing. Allele origin: germline.
Comment: This sequence change replaces tyrosine, which is neutral and polar, with serine, which is neutral and polar, at codon 455 of the NAGLU protein (p.Tyr455Ser). This variant is present in population databases (rs375103824, gnomAD 0.0009%). This variant has not been reported in the literature in individuals affected with NAGLU-related conditions. ClinVar contains an entry for this variant (Variation ID: 2929123). Invitae Evidence Modeling of protein sequence and biophysical properties (such as structural, functional, and spatial information, amino acid conservation, physicochemical variation, residue mobility, and thermodynamic stability) indicates that this missense variant is expected to disrupt NAGLU protein function with a positive predictive value of 95%. Experimental studies have shown that this missense change affects NAGLU function (PMID: 29979746). This variant disrupts the p.Tyr455 amino acid residue in NAGLU. Other variant(s) that disrupt this residue have been determined to be pathogenic (PMID: 9443875, 29979746). This suggests that this residue is clinically significant, and that variants that disrupt this residue are likely to be disease-causing. In summary, the currently available evidence indicates that the variant is pathogenic, but additional data are needed to prove that conclusively. Therefore, this variant has been classified as Likely Pathogenic.

Petrovsky National Research Centre of Surgery, The Federal Agency for Scientific Organizations
Classification: Likely pathogenic for Cardiomyopathy. Last evaluated: 2025-11-18. Review status: criteria provided, single submitter. Criteria: ACMG Guidelines, 2015. Collection method: clinical testing. Allele origin: germline. Affected: yes.
Comment: The variant is extremely rare in population databases (gnomAD v4.1.0 MAF 0.0000006203). In accordance with ACMG (2015) criteria, this variant is classified as Likely Pathogenic (Class IV) with the following criteria applied: PM2_moderate, PM1_moderate, PM5_moderate, PP3_supporting.

Literature cited by the submitters: PubMed 29979746 (cited by Labcorp Genetics (formerly Invitae), Labcorp); PubMed 9443875 (cited by Labcorp Genetics (formerly Invitae), Labcorp).

NM_000263.4(NAGLU):c.1364A>C (p.Tyr455Ser)

Gene: NAGLU (N-acetyl-alpha-glucosaminidase; plus strand). Cytogenetic location: 17q21.2.
Variant type: single nucleotide variant.
Coding change: c.1364A>C on transcript NM_000263.4 (MANE Select); coding-DNA position 1364, A replaced by C.
Protein change: p.Tyr455Ser; replaces tyrosine 455 with serine.
Molecular consequence: missense variant.
Genome position (GRCh38, 1-based): chr17:42,543,370, A>C. VCF-style: chr17-42543370-A-C. GRCh37 (hg19) VCF-style: chr17-40695388-A-C.
Other names: short protein forms Y455S.
Identifiers: ClinVar variation 2929123 (VCV002929123.4), dbSNP rs375103824, ClinGen allele CA8577008.